The following is an entry in ClinVar:

ClinVar aggregate classification (germline): Uncertain significance. Review status: criteria provided, multiple submitters, no conflicts (2 of 4 stars). 2 submissions from 2 submitters: Uncertain significance (2). Last evaluated 2024-11-17.

Conditions:
Hereditary cancer-predisposing syndrome. Also called: Neoplastic Syndromes, Hereditary; Tumor predisposition; Hereditary Cancer Syndrome; Hereditary neoplastic syndrome. Identifiers: Orphanet 140162, MedGen C0027672, MeSH D009386, MONDO:0015356.

Allele frequency attached by ClinVar (database versions not stated): ExAC 0.00002; gnomAD 0.00004; gnomAD exomes 0.00004; 1000 Genomes Project 30x 0.00016; 1000 Genomes Project 0.00020.
gnomAD v4.1: 29 of 1,613,870 alleles (0.0018%); no homozygotes.

Submissions (2):

Ambry Genetics
Classification: Uncertain significance for Hereditary cancer-predisposing syndrome. Last evaluated: 2024-11-17. Review status: criteria provided, single submitter. Criteria: Ambry Variant Classification Scheme 2023. Collection method: clinical testing. Allele origin: germline.
Comment: The p.P387S variant (also known as c.1159C>T), located in coding exon 8 of the RAD50 gene, results from a C to T substitution at nucleotide position 1159. The proline at codon 387 is replaced by serine, an amino acid with similar properties. This amino acid position is highly conserved in available vertebrate species. In addition, this alteration is predicted to be tolerated by in silico analysis. Since supporting evidence is limited at this time, the clinical significance of this alteration remains unclear.

Labcorp Genetics (formerly Invitae), Labcorp
Classification: Uncertain significance for Hereditary cancer-predisposing syndrome. Last evaluated: 2023-02-17. Review status: criteria provided, single submitter. Criteria: Invitae Variant Classification Sherloc (09022015). Collection method: clinical testing. Allele origin: germline.
Comment: This sequence change replaces proline, which is neutral and non-polar, with serine, which is neutral and polar, at codon 387 of the RAD50 protein (p.Pro387Ser). This variant is present in population databases (rs200404723, gnomAD 0.05%). This variant has not been reported in the literature in individuals affected with RAD50-related conditions. ClinVar contains an entry for this variant (Variation ID: 1736102). Advanced modeling of protein sequence and biophysical properties (such as structural, functional, and spatial information, amino acid conservation, physicochemical variation, residue mobility, and thermodynamic stability) has been performed at Invitae for this missense variant, however the output from this modeling did not meet the statistical confidence thresholds required to predict the impact of this variant on RAD50 protein function. In summary, the available evidence is currently insufficient to determine the role of this variant in disease. Therefore, it has been classified as a Variant of Uncertain Significance.

NM_005732.4(RAD50):c.1159C>T (p.Pro387Ser)

Gene: RAD50 (RAD50 double strand break repair protein; plus strand). Cytogenetic location: 5q31.1.
Variant type: single nucleotide variant.
Coding change: c.1159C>T on transcript NM_005732.4 (MANE Select); coding-DNA position 1159, C replaced by T.
Protein change: p.Pro387Ser; replaces proline 387 with serine.
Molecular consequence: missense variant.
Genome position (GRCh38, 1-based): chr5:132,588,794, C>T. VCF-style: chr5-132588794-C-T. GRCh37 (hg19) VCF-style: chr5-131924486-C-T.
Other names: short protein forms P387S.
Identifiers: ClinVar variation 1736102 (VCV001736102.9), dbSNP rs200404723, ClinGen allele CA3405119.